The following is an entry in ClinVar:

ClinVar aggregate classification (germline): Pathogenic/Likely pathogenic. Review status: criteria provided, multiple submitters, no conflicts (2 of 4 stars). 6 submissions from 6 submitters: Pathogenic (3); Likely pathogenic (2). 1 of the submissions does not count toward it. Last evaluated 2025-12-24.

Conditions:
Niemann-Pick disease, type C1. Also called: NEUROVISCERAL STORAGE DISEASE WITH VERTICAL SUPRANUCLEAR OPHTHALMOPLEGIA; NIEMANN-PICK DISEASE WITH CHOLESTEROL ESTERIFICATION BLOCK; NIEMANN-PICK DISEASE WITHOUT SPHINGOMYELINASE DEFICIENCY; NIEMANN-PICK DISEASE, CHRONIC NEURONOPATHIC FORM; NIEMANN-PICK DISEASE, VARIANT TYPE C1. Identifiers: Orphanet 646, MedGen C3179455, MONDO:0009757, OMIM 257220.

Allele frequency attached by ClinVar (database versions not stated): gnomAD exomes below 0.00001 and 0.00001; TOPMed below 0.00001; ExAC 0.00001.

Submissions (6):

Labcorp Genetics (formerly Invitae), Labcorp
Classification: Pathogenic for Niemann-Pick disease, type C1. Last evaluated: 2025-12-24. Review status: criteria provided, single submitter. Criteria: Invitae Variant Classification Sherloc (09022015). Collection method: clinical testing. Allele origin: germline.
Comment: This sequence change replaces methionine, which is neutral and non-polar, with threonine, which is neutral and polar, at codon 1142 of the NPC1 protein (p.Met1142Thr). This variant is present in population databases (rs778878523, gnomAD 0.0009%). This missense change has been observed in individual(s) with Niemann–Pick type C (PMID: 11333381, 11349231, 20718790, 25239094). ClinVar contains an entry for this variant (Variation ID: 372435). Invitae Evidence Modeling of protein sequence and biophysical properties (such as structural, functional, and spatial information, amino acid conservation, physicochemical variation, residue mobility, and thermodynamic stability) indicates that this missense variant is expected to disrupt NPC1 protein function with a positive predictive value of 95%. Experimental studies have shown that this missense change affects NPC1 function (PMID: 30923329). For these reasons, this variant has been classified as Pathogenic.

Mayo Clinic Laboratories, Mayo Clinic
Classification: Pathogenic. Last evaluated: 2025-08-12. Review status: criteria provided, single submitter. Criteria: ACMG Guidelines, 2015. Collection method: clinical testing. Allele origin: germline. Observed: 1 variant allele.
Comment: PP3_strong, PM2_supporting, PM3_strong, PS3_supporting

Natera, Inc.
Classification: Pathogenic for Niemann-Pick disease type C1. Last evaluated: 2024-09-20. Review status: criteria provided, single submitter. Criteria: Natera Variant Classification Schema (03/2026). Collection method: clinical testing. Allele origin: germline.
Comment: The c.3425T>C variant in NPC1 is a missense variant predicted to cause substitution of methionine to threonine at amino acid 1142. This variant is rare in the general population with a frequency below the threshold expected for the associated phenotype(s). This variant has been observed in one or more individuals affected with the associated recessive disease, as either homozygous or compound heterozygous with a second variant (PMID: 31699992, 25239094, 11349231, 36918699, 38131230). Computational prediction algorithms indicate this variant is likely to affect gene or protein function. Given the available evidence, this variant is classified as Pathogenic.

Fulgent Genetics
Classification: Likely pathogenic for Niemann-Pick disease, type C1. Last evaluated: 2021-07-28. Review status: criteria provided, single submitter. Criteria: ACMG Guidelines, 2015. Collection method: clinical testing. Allele origin: unknown.

GeneDx
Classification: Likely pathogenic. Last evaluated: 2016-10-05. Review status: criteria provided, single submitter. Criteria: GeneDx Variant Classification (06012015). Collection method: clinical testing. Allele origin: germline. Affected: yes.
Comment: The M1142T variant in the NPC1 gene has been reported previously in association with Niemann-Pick disease type C (NPC) in multiple unrelated individuals when present with a second variant in the NPC1 gene (Millat et al., 2001; Sun et al., 2001; Fancello et al., 2009; Macias-Vidal et al., 2011). The M1142T variant was not observed in approximately 6500 individuals of European and African American ancestry in the NHLBI Exome Sequencing Project, indicating it is not a common benign variant in these populations. The M1142T variant is a non-conservative amino acid substitution, which is likely to impact secondary protein structure as these residues differ in polarity, charge, size and/or other properties. This substitution occurs at a position that is conserved across species, and in silico analysis predicts this variant is probably damaging to the protein structure/function. Missense variants in nearby residues (N1137I, G1140V, V1141G, W1145R) have been reported in the Human Gene Mutation Database in association with NPC (Stenson et al., 2014), supporting the functional importance of this region of the protein. The M1142T variant is a strong candidate for a pathogenic variant, however the possibility it may be a rare benign variant cannot be excluded.

Counsyl
Classification: Likely pathogenic for Niemann-Pick disease, type C1. Last evaluated: 2017-01-17. Review status: no assertion criteria provided. Collection method: clinical testing. Allele origin: unknown. Not counted in ClinVar's aggregate classification.

Literature cited by the submitters: PubMed 11333381 (cited by 3 submitters); PubMed 11349231 (cited by 4 submitters); PubMed 20718790 (cited by 3 submitters); PubMed 25239094 (cited by 3 submitters); PubMed 30923329 (cited by Labcorp Genetics (formerly Invitae), Labcorp and Mayo Clinic Laboratories, Mayo Clinic); PubMed 32138288 (cited by Mayo Clinic Laboratories, Mayo Clinic); PubMed 35892469 (cited by Mayo Clinic Laboratories, Mayo Clinic); PubMed 31699992 (cited by Natera, Inc.); PubMed 36918699 (cited by Natera, Inc.); PubMed 38131230 (cited by Natera, Inc.); PubMed 19252935 (cited by Counsyl).

NM_000271.5(NPC1):c.3425T>C (p.Met1142Thr)

Gene: NPC1 (NPC intracellular cholesterol transporter 1; minus strand). Cytogenetic location: 18q11.2.
Variant type: single nucleotide variant.
Coding change: c.3425T>C on transcript NM_000271.5 (MANE Select); coding-DNA position 3425, T replaced by C.
Protein change: p.Met1142Thr; replaces methionine 1142 with threonine.
Molecular consequence: missense variant.
Genome position (GRCh38, 1-based): chr18:23,535,521, A>G on the plus strand (T>C on the coding strand, the complement: NPC1 is on the minus strand). VCF-style: chr18-23535521-A-G. GRCh37 (hg19) VCF-style: chr18-21115485-A-G.
Other names: p.Met1142Thr; short protein forms M1142T.
Identifiers: ClinVar variation 372435 (VCV000372435.18), dbSNP rs778878523, ClinGen allele CA8912782.